The following is an entry in ClinVar:

NM_002471.4(MYH6):c.3913C>T (p.Arg1305Trp)

Gene: MYH6 (myosin heavy chain 6; minus strand). Cytogenetic location: 14q11.2.
Variant type: single nucleotide variant.
Coding change: c.3913C>T on transcript NM_002471.4 (MANE Select); coding-DNA position 3913, C replaced by T.
Protein change: p.Arg1305Trp; replaces arginine 1305 with tryptophan.
Molecular consequence: missense variant.
Genome position (GRCh38, 1-based): chr14:23,389,458, G>A on the plus strand (C>T on the coding strand, the complement: MYH6 is on the minus strand). VCF-style: chr14-23389458-G-A. GRCh37 (hg19) VCF-style: chr14-23858667-G-A.
Other names: short protein forms R1305W.
Identifiers: ClinVar variation 1736129 (VCV001736129.4), dbSNP rs763328656, ClinGen allele CA7115022.

ClinVar aggregate classification (germline): Uncertain significance. Review status: criteria provided, multiple submitters, no conflicts (2 of 4 stars). 2 submissions from 2 submitters: Uncertain significance (2). Last evaluated 2023-03-30.

Conditions:
Cardiovascular phenotype. Identifiers: MedGen CN230736.

Allele frequency attached by ClinVar (database versions not stated): ExAC 0.00001; gnomAD 0.00001; gnomAD exomes 0.00001; TOPMed 0.00001.
gnomAD v4.1: 10 of 1,614,044 alleles (0.00062%); highest among the groups gnomAD compares: East Asian, 0.0022%; no homozygotes.

Submissions (2):

Revvity Omics, Revvity
Classification: Uncertain significance. Last evaluated: 2023-03-30. Review status: criteria provided, single submitter. Criteria: ACMG Guidelines, 2015. Collection method: clinical testing. Allele origin: germline.

Ambry Genetics
Classification: Uncertain significance for Cardiovascular phenotype. Last evaluated: 2022-10-20. Review status: criteria provided, single submitter. Criteria: Ambry Variant Classification Scheme 2023. Collection method: clinical testing. Allele origin: germline.
Comment: The p.R1305W variant (also known as c.3913C>T), located in coding exon 26 of the MYH6 gene, results from a C to T substitution at nucleotide position 3913. The arginine at codon 1305 is replaced by tryptophan, an amino acid with dissimilar properties. This alteration was reported in a congenital heart disease cohort (Ekure EN et al. Circ Genom Precis Med, 2021 02;14:e003108). This amino acid position is highly conserved in available vertebrate species. In addition, this alteration is predicted to be deleterious by in silico analysis. Since supporting evidence is limited at this time, the clinical significance of this alteration remains unclear.

Literature cited by the submitters: PubMed 33448881 (cited by Ambry Genetics).